The following is an entry in ClinVar:

NM_001244008.2(KIF1A):c.4007+7C>T

Gene: KIF1A (kinesin family member 1A; minus strand). Cytogenetic location: 2q37.3.
Variant type: single nucleotide variant.
Coding change: c.4007+7C>T on transcript NM_001244008.2 (MANE Select); 7 bases into the intron after coding-DNA position 4007, C replaced by T.
Molecular consequence: intron variant.
Genome position (GRCh38, 1-based): chr2:240,737,056, G>A on the plus strand (C>T on the coding strand, the complement: KIF1A is on the minus strand). VCF-style: chr2-240737056-G-A. GRCh37 (hg19) VCF-style: chr2-241676473-G-A.
Other names: p.?; c.3704+7C>T (NM_001379653.1, NM_001379650.1, NM_001379641.1 and 5 more transcripts); c.3980+7C>T (NM_001379645.1, NM_001379633.1, NM_001379642.1); c.3806+7C>T (NM_001379635.1, NM_001330290.2, NM_001379646.1 and 1 more transcripts); c.3701+7C>T (NM_001379640.1); c.3818+7C>T (NM_001379636.1); c.3956+7C>T (NM_001379632.1); c.3779+7C>T (NM_001379637.1, NM_001379648.1); and 2 more.
Identifiers: ClinVar variation 704387 (VCV000704387.18), dbSNP rs555842583, ClinGen allele CA2207555.

ClinVar aggregate classification (germline): Benign/Likely benign. Review status: criteria provided, multiple submitters, no conflicts (2 of 4 stars). 5 submissions from 5 submitters: Benign (1); Likely benign (4). Last evaluated 2026-01-01.

Conditions:
KIF1A-related disorder. Also called: KIF1A-related disorders; KIF1A-related condition.
Neuropathy, hereditary sensory, type 2C. Also called: KIF1A-Related HSAN2 (HSAN2C); Hereditary sensory and autonomic neuropathy type IIC. Identifiers: Orphanet 970, MedGen C3280168, MONDO:0013634, OMIM 614213.
Intellectual disability, autosomal dominant 9 (NESCAVS). Also called: NESCAV SYNDROME; KIF1A-Related Neurodevelopmental Disorder. Identifiers: Orphanet 662367, MedGen C5393830, MONDO:0013656, OMIM 614255.
Hereditary spastic paraplegia 30. Identifiers: Orphanet 101010, MedGen C5235139, MONDO:0012476.

Allele frequency attached by ClinVar (database versions not stated): TOPMed 0.00001; gnomAD 0.00002 and 0.00009; 1000 Genomes Project 0.00020; ExAC 0.00029; gnomAD exomes 0.00033.
gnomAD v4.1: 244 of 1,607,312 alleles (0.015%); highest among the groups gnomAD compares: South Asian, 0.23%; 1 homozygote.

Submissions (5):

CeGaT Center for Human Genetics Tuebingen
Classification: Likely benign. Last evaluated: 2026-01-01. Review status: criteria provided, single submitter. Criteria: CeGaT Center For Human Genetics Tuebingen Variant Classification Criteria Version 2. Collection method: clinical testing. Allele origin: germline. Affected: yes. Observed: 1 variant allele.
Comment: KIF1A: BP4, BS2

Labcorp Genetics (formerly Invitae), Labcorp
Classification: Likely benign for Hereditary spastic paraplegia 30; Neuropathy, hereditary sensory, type 2C; Intellectual disability, autosomal dominant 9. Last evaluated: 2025-10-26. Review status: criteria provided, single submitter. Criteria: Invitae Variant Classification Sherloc (09022015). Collection method: clinical testing. Allele origin: germline.

PreventionGenetics, part of Exact Sciences
Classification: Likely benign for KIF1A-related condition. Last evaluated: 2025-03-13. Review status: criteria provided, single submitter. Criteria: ACMG Guidelines, 2015. Collection method: clinical testing. Allele origin: germline.
Comment: This variant is classified as likely benign based on ACMG/AMP sequence variant interpretation guidelines (Richards et al. 2015 PMID: 25741868, with internal and published modifications).

Mayo Clinic Laboratories, Mayo Clinic
Classification: Likely benign. Last evaluated: 2024-12-30. Review status: criteria provided, single submitter. Criteria: ACMG Guidelines, 2015. Collection method: clinical testing. Allele origin: germline. Observed: 1 variant allele.
Comment: BS1, BP4, BP7

Athena Diagnostics
Classification: Benign. Last evaluated: 2019-05-01. Review status: criteria provided, single submitter. Criteria: Athena Diagnostics Criteria. Collection method: clinical testing. Allele origin: germline.